The following is an entry in ClinVar:

NM_182894.3(VSX2):c.863G>A (p.Arg288Gln)

Gene: VSX2 (visual system homeobox 2; plus strand). Cytogenetic location: 14q24.3.
Variant type: single nucleotide variant.
Coding change: c.863G>A on transcript NM_182894.3 (MANE Select); coding-DNA position 863, G replaced by A.
Protein change: p.Arg288Gln; replaces arginine 288 with glutamine.
Molecular consequence: missense variant.
Genome position (GRCh38, 1-based): chr14:74,260,696, G>A. VCF-style: chr14-74260696-G-A. GRCh37 (hg19) VCF-style: chr14-74727399-G-A.
Other names: short protein forms R288Q.
Identifiers: ClinVar variation 314200 (VCV000314200.7), dbSNP rs375426810, ClinGen allele CA7266481.

ClinVar aggregate classification (germline): Uncertain significance. Review status: criteria provided, multiple submitters, no conflicts (2 of 4 stars). 2 submissions from 2 submitters: Uncertain significance (2). Last evaluated 2024-12-02.

Conditions:
Inborn genetic diseases. Identifiers: MedGen C0950123, MeSH D030342.

Allele frequency attached by ClinVar (database versions not stated): ExAC 0.00004; gnomAD exomes 0.00004; ESP Exome Variant Server 0.00008; TOPMed 0.00008.
gnomAD v4.1: 55 of 1,595,686 alleles (0.0034%); highest among the groups gnomAD compares: East Asian, 0.0091%; no homozygotes.

Submissions (2):

Ambry Genetics
Classification: Uncertain significance for Inborn genetic diseases. Last evaluated: 2024-12-02. Review status: criteria provided, single submitter. Criteria: Ambry Variant Classification Scheme 2023. Collection method: clinical testing. Allele origin: germline.

GeneDx
Classification: Uncertain significance. Last evaluated: 2022-10-05. Review status: criteria provided, single submitter. Criteria: GeneDx Variant Classification Process June 2021. Collection method: clinical testing. Allele origin: germline. Affected: yes.
Comment: In silico analysis supports that this missense variant does not alter protein structure/function; Has not been previously published as pathogenic or benign to our knowledge